The following is an entry in ClinVar:

NM_030662.4(MAP2K2):c.383C>T (p.Pro128Leu)

Gene: MAP2K2 (mitogen-activated protein kinase kinase 2; minus strand). Cytogenetic location: 19p13.3.
Variant type: single nucleotide variant.
Coding change: c.383C>T on transcript NM_030662.4 (MANE Select); coding-DNA position 383, C replaced by T.
Protein change: p.Pro128Leu; replaces proline 128 with leucine.
Molecular consequence: missense variant.
Genome position (GRCh38, 1-based): chr19:4,110,576, G>A on the plus strand (C>T on the coding strand, the complement: MAP2K2 is on the minus strand). VCF-style: chr19-4110576-G-A. GRCh37 (hg19) VCF-style: chr19-4110574-G-A.
Other names: c.383C>T (NM_030662.3); short protein forms P128L.
Identifiers: ClinVar variation 666272 (VCV000666272.12), dbSNP rs267607230, ClinGen allele CA9091012.

ClinVar aggregate classification (germline): Pathogenic/Likely pathogenic. Review status: criteria provided, multiple submitters, no conflicts (2 of 4 stars). 6 submissions from 6 submitters: Pathogenic (2); Likely pathogenic (2). 2 of the submissions do not count toward it. Last evaluated 2025-03-28.

Conditions:
Cardiofaciocutaneous syndrome 4 (CFC4). Also called: MAP2K2-Related Cardiofaciocutaneous Syndrome. Identifiers: Orphanet 1340, MedGen C3809007, MONDO:0014114, OMIM 615280.
Castleman-Kojima disease. Also called: Thrombocytopenia-anasarca-fever-renal insufficiency-organomegaly syndrome; TAFRO syndrome. Identifiers: Orphanet 457077, MedGen C4552543, MONDO:0018702.
MAP2K2-related disorder. Also called: MAP2K2-related condition.

Allele frequency attached by ClinVar (database versions not stated): ExAC 0.00001; gnomAD exomes below 0.00001.
gnomAD v4.1: 4 of 1,613,994 alleles (0.00025%); highest among the groups gnomAD compares: East Asian, 0.0022%; no homozygotes.

Submissions (6):

GeneDx
Classification: Pathogenic. Last evaluated: 2025-03-28. Review status: criteria provided, single submitter. Criteria: GeneDx Variant Classification Process June 2021. Collection method: clinical testing. Allele origin: germline. Affected: yes.
Comment: Identified as a somatic variant via lymph node biopsy testing in a patient with Castleman disease in published literature, though this variant was absent in bone marrow and the patient did not exhibit features of MAP2K2-related RASopathy (PMID: 32051554); A published functional study demonstrates a damaging effect, including increased activation of MAPK signaling and increased cell proliferation (PMID: 32051554); Not observed at significant frequency in large population cohorts (gnomAD); In silico analysis supports that this missense variant has a deleterious effect on protein structure/function; Missense variants in this gene are often considered pathogenic (HGMD); This variant is associated with the following publications: (PMID: 32051554, 25370473, 22753777, 19156172, 26399658, 22177953, 29493581)

3billion
Classification: Pathogenic for MAP2K2-related disorder. Last evaluated: 2025-01-10. Review status: criteria provided, single submitter. Criteria: ACMG Guidelines, 2015. Collection method: clinical testing. Allele origin: germline. Affected: yes.
Comment: The variant is observed at an extremely low frequency in the gnomAD v4.1.0 dataset (total allele frequency: <0.001%). Predicted Consequence/Location: The variant is located in a mutational hot spot and/or well-established functional domain in which established pathogenic variants have been reported (PMID: 29493581). Missense variant. Missense changes are a common disease-causing mechanism. In silico tool predictions suggest damaging effect of the variant on gene or gene product [REVEL: 0.92 (>=0.6, sensitivity 0.68 and specificity 0.92); 3Cnet: 0.98 (>=0.6, sensitivity 0.72 and precision 0.9)]. The same nucleotide change resulting in the same amino acid change has been previously reported to be associated with MAP2K2-related disorder (ClinVar ID: VCV000666272 /3billion dataset).Different missense changes at the same codon (p.Pro128Arg, p.Pro128Gln) have been reported as pathogenic/likely pathogenic with strong evidence (ClinVar ID: VCV000008275 /PMID: 17366577, 20358587). Therefore, this variant is classified as Pathogenic according to the recommendation of ACMG/AMP guideline.

Institute of Human Genetics Munich, TUM University Hospital
Classification: Likely pathogenic for Cardiofaciocutaneous syndrome 4. Last evaluated: 2024-11-12. Review status: criteria provided, single submitter. Criteria: Classification criteria August 2017. Collection method: clinical testing. Allele origin: germline. Inheritance: Autosomal dominant inheritance. Affected: yes. Observed: 1 variant allele.

Juno Genomics, Hangzhou Juno Genomics, Inc
Classification: Likely pathogenic for Cardiofaciocutaneous syndrome 4. Review status: criteria provided, single submitter. Criteria: ACMG Guidelines, 2015. Collection method: clinical testing. Allele origin: germline. Affected: yes.
Comment: Located in a mutational hot spot and/or critical and well-established functional domain without benign variation.;Novel missense change at an amino acid residue where a different missense change determined to be pathogenic has been seen before.;Well-established in vitro or in vivo functional studies supportive of a damaging effect on the gene or gene product.;Multiple lines of computational evidence support a deleterious effect on the gene or gene product.

PreventionGenetics, part of Exact Sciences
Classification: Pathogenic for MAP2K2-related condition. Last evaluated: 2024-01-19. Review status: no assertion criteria provided. Collection method: clinical testing. Allele origin: germline. Not counted in ClinVar's aggregate classification.
Comment: The MAP2K2 c.383C>T variant is predicted to result in the amino acid substitution p.Pro128Leu. This variant was reported as a somatic variant in an individual with TAFRO, which is a clinical subtype of idiopathic multicentric Castleman disease (iMCD) syndrome (iMCD-TARFO) (Patient 1, Yoshimi et al 2020. PubMed ID: 32051554). Functional studies of this variant showed it lead to hyperactivated MAP kinase signaling, conferred IL-3 hypersensitivity, and sensitized the cells to MEK inhibitors (Yoshimi et al. 2020. PubMed ID: 32051554). This variant has not been reported in a large population database, indicating this variant is rare. This variant is interpreted as pathogenic.

Xiao lab, Department of Pathology, Memorial Sloan Kettering Cancer Center
Classification: Pathogenic for TAFRO syndrome. Last evaluated: 2019-08-12. Review status: no assertion criteria provided. Collection method: clinical testing. Allele origin: somatic. Affected: yes. Not counted in ClinVar's aggregate classification.

Literature cited by the submitters: PubMed 17366577 (cited by 3billion).